The following is an entry in ClinVar:

NM_017654.4(SAMD9):c.1053C>A (p.Asp351Glu)

Gene: SAMD9 (sterile alpha motif domain containing 9; minus strand). Cytogenetic location: 7q21.2.
Variant type: single nucleotide variant.
Coding change: c.1053C>A on transcript NM_017654.4 (MANE Select); coding-DNA position 1053, C replaced by A.
Protein change: p.Asp351Glu; replaces aspartic acid 351 with glutamic acid.
Molecular consequence: missense variant.
Genome position (GRCh38, 1-based): chr7:93,105,045, G>T on the plus strand (C>A on the coding strand, the complement: SAMD9 is on the minus strand). VCF-style: chr7-93105045-G-T. GRCh37 (hg19) VCF-style: chr7-92734358-G-T.
Other names: c.1053C>A, p.Asp351Glu (NM_001193307.2); short protein forms D351E.
Identifiers: ClinVar variation 2544420 (VCV002544420.3), dbSNP rs200454238, ClinGen allele CA4343031.

ClinVar aggregate classification (germline): Uncertain significance (1 of 4 stars; one submission).

Conditions:
Inborn genetic diseases. Identifiers: MedGen C0950123, MeSH D030342.

gnomAD v4.1: 2 of 1,613,810 alleles (0.00012%); highest among the groups gnomAD compares: East Asian, 0.0045%; no homozygotes.

Submission:

Ambry Genetics
Classification: Uncertain significance for Inborn genetic diseases. Last evaluated: 2025-12-29. Review status: criteria provided, single submitter. Criteria: Ambry Variant Classification Scheme 2023. Collection method: clinical testing. Allele origin: germline.
Comment: The p.D351E variant (also known as c.1053C>A), located in coding exon 1 of the SAMD9 gene, results from a C to A substitution at nucleotide position 1053. The aspartic acid at codon 351 is replaced by glutamic acid, an amino acid with highly similar properties. This amino acid position is conserved. In addition, this alteration is predicted to be tolerated by in silico analysis. Based on the available evidence, the clinical significance of this variant remains unclear.